The following is an entry in ClinVar:

NM_001127222.2(CACNA1A):c.2056G>A (p.Gly686Ser)

Gene: CACNA1A (calcium voltage-gated channel subunit alpha1 A; minus strand). Cytogenetic location: 19p13.13.
Variant type: single nucleotide variant.
Coding change: c.2056G>A on transcript NM_001127222.2 (MANE Select); coding-DNA position 2056, G replaced by A.
Protein change: p.Gly686Ser; replaces glycine 686 with serine.
Molecular consequence: missense variant.
Genome position (GRCh38, 1-based): chr19:13,303,815, C>T on the plus strand (G>A on the coding strand, the complement: CACNA1A is on the minus strand). VCF-style: chr19-13303815-C-T. GRCh37 (hg19) VCF-style: chr19-13414629-C-T.
Other names: c.2059G>A, p.Gly687Ser (NM_000068.4, NM_001127221.2, NM_001174080.2 and 1 more transcripts); short protein forms G687S, G686S.
Identifiers: ClinVar variation 422231 (VCV000422231.8), dbSNP rs1064795643, ClinGen allele CA16620793.
Genomic context (GRCh38, chr19:13,303,815, plus strand): 5'-CATGAAGGATACAGTTCCCAAAGAGCGTCAGTACAATGAAATAGATGGAGAACACCATGC[C>T]GCCCTGCACGCCCCCCTGAGACTTGATCCCGTCGTACATGACCTCGTTCCAGTCTTCGCC-3'
Protein context (NP_001120694.1, residues 676-696): GIKSQGGVQG[Gly686Ser]MVFSIYFIVL

ClinVar aggregate classification (germline): Uncertain significance. Review status: criteria provided, multiple submitters, no conflicts (2 of 4 stars). 2 submissions from 2 submitters: Uncertain significance (2). Last evaluated 2023-10-08.

Conditions:
Episodic ataxia type 2 (EA2). Also called: ATAXIA, EPISODIC, WITH NYSTAGMUS; ATAXIA, FAMILIAL PAROXYSMAL; CEREBELLAR ATAXIA, PAROXYSMAL, ACETAZOLAMIDE-RESPONSIVE; CEREBELLOPATHY, HEREDITARY PAROXYSMAL; EPISODIC ATAXIA, NYSTAGMUS-ASSOCIATED; ACETAZOLAMIDE-RESPONSIVE HEREDITARY PAROXYSMAL CEREBELLAR ATAXIA. Identifiers: Orphanet 97, MedGen C1720416, MONDO:0007163, OMIM 108500.
Developmental and epileptic encephalopathy, 42 (DEE42A). Also called: Epileptic encephalopathy, early infantile, 42; DEVELOPMENTAL AND EPILEPTIC ENCEPHALOPATHY 42A; EPILEPTIC ENCEPHALOPATHY, EARLY INFANTILE, 42A. Identifiers: MedGen C4310716, MONDO:0014917, OMIM 617106.

Submissions (2):

Labcorp Genetics (formerly Invitae), Labcorp
Classification: Uncertain significance for Developmental and epileptic encephalopathy, 42; Episodic ataxia type 2. Last evaluated: 2023-10-08. Review status: criteria provided, single submitter. Criteria: Invitae Variant Classification Sherloc (09022015). Collection method: clinical testing. Allele origin: germline.
Comment: This sequence change replaces glycine, which is neutral and non-polar, with serine, which is neutral and polar, at codon 687 of the CACNA1A protein (p.Gly687Ser). This variant is not present in population databases (gnomAD no frequency). This missense change has been observed in individual(s) with CACNA1A-related conditions (PMID: 28444220). This variant is also known as c.2056G>A (p.G686S). ClinVar contains an entry for this variant (Variation ID: 422231). Advanced modeling of protein sequence and biophysical properties (such as structural, functional, and spatial information, amino acid conservation, physicochemical variation, residue mobility, and thermodynamic stability) performed at Invitae indicates that this missense variant is expected to disrupt CACNA1A protein function. In summary, the available evidence is currently insufficient to determine the role of this variant in disease. Therefore, it has been classified as a Variant of Uncertain Significance.

GeneDx
Classification: Uncertain significance. Last evaluated: 2016-09-15. Review status: criteria provided, single submitter. Criteria: GeneDx Variant Classification (06012015). Collection method: clinical testing. Allele origin: germline. Affected: yes.
Comment: The G687S variant in the CACNA1A gene has not been reported previously as a pathogenic variant, nor as a benign variant, to our knowledge. This variant was not observed in approximately 6200 individuals of European and African American ancestry in the NHLBI Exome Sequencing Project, indicating it is not a common benign variant in these populations. The G687S variant is a non-conservative amino acid substitution, which is likely to impact secondary protein structure as these residues differ in polarity, charge, size and/or other properties. This substitution occurs at a position that is conserved across species, and in silico analysis predicts this variant is probably damaging to the protein structure/function. We interpret G687S as a variant of uncertain significance.

Literature cited by the submitters: PubMed 28444220 (cited by Labcorp Genetics (formerly Invitae), Labcorp).